The following is an entry in ClinVar:

ClinVar aggregate classification (germline): Likely benign (1 of 4 stars; one submission).

Allele frequency attached by ClinVar (database versions not stated): ExAC 0.00011; ESP Exome Variant Server 0.00015; gnomAD 0.00019; TOPMed 0.00023.
gnomAD v4.1: 277 of 1,613,176 alleles (0.017%); highest among the groups gnomAD compares: African/African-American, 0.033%; no homozygotes.

Submission:

CeGaT Center for Human Genetics Tuebingen
Classification: Likely benign. Last evaluated: 2024-02-01. Review status: criteria provided, single submitter. Criteria: CeGaT Center For Human Genetics Tuebingen Variant Classification Criteria Version 2. Collection method: clinical testing. Allele origin: germline. Affected: yes. Observed: 1 variant allele.
Comment: NUP188: BP4, BP7

NM_015354.3(NUP188):c.4347G>A (p.Ala1449=)

Gene: NUP188 (nucleoporin 188; plus strand). Cytogenetic location: 9q34.11.
Variant type: single nucleotide variant.
Coding change: c.4347G>A on transcript NM_015354.3 (MANE Select); coding-DNA position 4347, G replaced by A.
Protein change: p.Ala1449=; no amino-acid change (alanine 1449 retained).
Molecular consequence: synonymous variant.
Genome position (GRCh38, 1-based): chr9:129,003,367, G>A. VCF-style: chr9-129003367-G-A. GRCh37 (hg19) VCF-style: chr9-131765646-G-A.
Identifiers: ClinVar variation 3025877 (VCV003025877.22), dbSNP rs144742765, ClinGen allele CA5273292.